The following is an entry in ClinVar:

NM_005188.4(CBL):c.2345C>T (p.Pro782Leu)

Gene: CBL (Cbl proto-oncogene; plus strand). Cytogenetic location: 11q23.3.
Variant type: single nucleotide variant.
Coding change: c.2345C>T on transcript NM_005188.4 (MANE Select); coding-DNA position 2345, C replaced by T.
Protein change: p.Pro782Leu; replaces proline 782 with leucine.
Molecular consequence: missense variant.
Genome position (GRCh38, 1-based): chr11:119,298,451, C>T. VCF-style: chr11-119298451-C-T. GRCh37 (hg19) VCF-style: chr11-119169161-C-T.
Other names: p.P782L:CCG>CTG; short protein forms P782L.
Identifiers: ClinVar variation 40421 (VCV000040421.61), dbSNP rs2229073, ClinGen allele CA135724.

ClinVar aggregate classification (germline): Conflicting classifications of pathogenicity. Review status: criteria provided, conflicting classifications (1 of 4 stars). 14 submissions from 14 submitters: Uncertain significance (1); Benign (7); Likely benign (3). 3 of the submissions do not count toward it. Last evaluated 2026-01-28.

Conditions:
CBL-related disorder. Also called: NOONAN SYNDROME-LIKE DISORDER WITHOUT JUVENILE MYELOMONOCYTIC LEUKEMIA; CBL MUTATION-ASSOCIATED SYNDROME; CBL SYNDROME. Identifiers: Orphanet 363972, MedGen C3150803, MONDO:0013308, OMIM 613563.
Noonan syndrome and Noonan-related syndrome. Identifiers: Orphanet 98733, MedGen C5681679, MONDO:0020297.
Cardiovascular phenotype. Identifiers: MedGen CN230736.
RASopathy. Also called: rasopathies; Noonan spectrum disorder. Identifiers: Orphanet 536391, MedGen C5555857, MONDO:0021060.

Allele frequency attached by ClinVar (database versions not stated): gnomAD exomes 0.00034 and 0.00078; ExAC 0.00072; 1000 Genomes Project 0.00220; ESP Exome Variant Server 0.00231; gnomAD 0.00265 and 0.00281; TOPMed 0.00294; 1000 Genomes Project 30x 0.00312.
gnomAD v4.1: 936 of 1,614,116 alleles (0.058%); highest among the groups gnomAD compares: African/African-American, 0.78%; 6 homozygotes.

Submissions (14):

Labcorp Genetics (formerly Invitae), Labcorp
Classification: Benign for RASopathy. Last evaluated: 2026-01-28. Review status: criteria provided, single submitter. Criteria: Invitae Variant Classification Sherloc (09022015). Collection method: clinical testing. Allele origin: germline.

CeGaT Center for Human Genetics Tuebingen
Classification: Likely benign. Last evaluated: 2025-12-01. Review status: criteria provided, single submitter. Criteria: CeGaT Center For Human Genetics Tuebingen Variant Classification Criteria Version 2. Collection method: clinical testing. Allele origin: germline. Affected: yes. Observed: 3 variant alleles.
Comment: CBL: BS1

Blueprint Genetics
Classification: Likely benign. Last evaluated: 2024-09-12. Review status: criteria provided, single submitter. Criteria: ACMG Guidelines, 2015. Collection method: clinical testing. Allele origin: germline.

GeneDx
Classification: Benign. Last evaluated: 2021-03-05. Review status: criteria provided, single submitter. Criteria: GeneDx Variant Classification Process June 2021. Collection method: clinical testing. Allele origin: germline. Affected: yes.
Comment: This variant is associated with the following publications: (PMID: 27244893, 24896146, 31057598, 32604168)

Genetic Services Laboratory, University of Chicago
Classification: Benign. Last evaluated: 2021-03-05. Review status: criteria provided, single submitter. Criteria: ACMG Guidelines, 2015. Collection method: clinical testing. Allele origin: germline. Affected: no.

Women's Health and Genetics/Laboratory Corporation of America, LabCorp
Classification: Benign. Last evaluated: 2020-07-27. Review status: criteria provided, single submitter. Criteria: LabCorp Variant Classification Summary - May 2015. Collection method: clinical testing. Allele origin: germline.
Comment: Variant summary: CBL c.2345C>T (p.Pro782Leu) results in a non-conservative amino acid change in the encoded protein sequence. Four of five in-silico tools predict a damaging effect of the variant on protein function. The variant allele was found at a frequency of 0.00078 in 251460 control chromosomes, predominantly at a frequency of 0.0082 within the African or African-American subpopulation in the gnomAD database, including 1 homozygotes. The observed variant frequency within African or African-American control individuals in the gnomAD database is approximately 3280 fold of the estimated maximal expected allele frequency for a pathogenic variant in CBL causing Noonan Syndrome And Related Conditions phenotype (2.5e-06), strongly suggesting that the variant is a benign polymorphism found primarily in populations of African or African-American origin. c.2345C>T has been reported in the literature in at least one individual affected with Noonan Syndrome (Justino_2015). This report does not provide unequivocal conclusions about association of the variant with Noonan Syndrome And Related Conditions. Three clinical diagnostic laboratories have submitted clinical-significance assessments for this variant to ClinVar after 2014 without evidence for independent evaluation. All laboratories classified the variant as benign/likely benign. Based on the evidence outlined above, the variant was classified as benign.

ARUP Laboratories, Molecular Genetics and Genomics, ARUP Laboratories
Classification: Benign. Last evaluated: 2020-05-22. Review status: criteria provided, single submitter. Criteria: ARUP Molecular Germline Variant Investigation Process. Collection method: clinical testing. Allele origin: germline.

Genome Diagnostics Laboratory, The Hospital for Sick Children
Classification: Benign for Noonan syndrome and Noonan-related syndrome. Last evaluated: 2020-05-01. Review status: criteria provided, single submitter. Criteria: ACMG Guidelines, 2015. Collection method: clinical testing. Allele origin: germline.

Ambry Genetics
Classification: Likely benign for Cardiovascular phenotype. Last evaluated: 2019-11-20. Review status: criteria provided, single submitter. Criteria: Ambry Variant Classification Scheme 2023. Collection method: clinical testing. Allele origin: germline.

Illumina Laboratory Services, Illumina
Classification: Benign for CBL-related disorder. Last evaluated: 2018-01-12. Review status: criteria provided, single submitter. Criteria: ICSL Variant Classification Criteria 13 December 2019. Collection method: clinical testing. Allele origin: germline.
Comment: This variant was observed in the ICSL laboratory as part of a predisposition screen in an ostensibly healthy population. It had not been previously curated by ICSL or reported in the Human Gene Mutation Database (HGMD: prior to June 1st, 2018), and was therefore a candidate for classification through an automated scoring system. Utilizing variant allele frequency, disease prevalence and penetrance estimates, and inheritance mode, an automated score was calculated to assess if this variant is too frequent to cause the disease. Based on the score and internal cut-off values, a variant classified as benign is not then subjected to further curation. The score for this variant resulted in a classification of benign for this disease.

Laboratory for Molecular Medicine, Mass General Brigham Personalized Medicine
Classification: Uncertain significance. Last evaluated: 2013-06-21. Review status: criteria provided, single submitter. Criteria: LMM Criteria. Collection method: clinical testing. Allele origin: germline. Observed: 2 variant alleles.
Comment: Variant classified as Uncertain Significance - Favor Benign. This variant has been identified in 0.7% (30/4398) of African American chromosomes from a large population study by the N HLBI Exome Sequencing Project (dbSNP rs222907 3). Computational analyses (biochemical amino acid properties, conservation, Ali gnGVGD, PolyPhen2, and SIFT) suggest that the Pro782Leu variant may impact the p rotein, though this information is not predictive enough to determine pathogenic ity. In summary, additional information is needed to fully assess the clinical s ignificance of the Pro782Leu variant.

Clinical Genetics, Academic Medical Center
Classification: Benign. Review status: no assertion criteria provided. Collection method: clinical testing. Allele origin: germline. Affected: yes. Study: VKGL Data-share Consensus. Not counted in ClinVar's aggregate classification.

Institute of Molecular Pathology and Immunology of the University of Porto (IPATIMUP)
No classification provided. Condition: Noonan syndrome-like disorder with or without juvenile myelomonocytic leukemia. Review status: no classification provided. Collection method: not provided. Allele origin: germline. Not counted in ClinVar's aggregate classification.

Joint Genome Diagnostic Labs from Nijmegen and Maastricht, Radboudumc and MUMC+
Classification: Benign. Review status: no assertion criteria provided. Collection method: clinical testing. Allele origin: germline. Affected: yes. Study: VKGL Data-share Consensus. Not counted in ClinVar's aggregate classification.

Literature cited by the submitters: PubMed 24896146 (cited by Women's Health and Genetics/Laboratory Corporation of America, LabCorp).